The following is an entry in ClinVar:

ClinVar aggregate classification (germline): Pathogenic (1 of 4 stars; one submission).

Conditions:
Cerebral cavernous malformation (CCM). Also called: Cerebral cavernous hemangioma (type); CAVERNOUS ANGIOMA, FAMILIAL; CAVERNOUS ANGIOMATOUS MALFORMATIONS; CEREBRAL CAPILLARY MALFORMATIONS; Cavernous Hemangioma of Brain; Cerebral cavernous malformations. Identifiers: Orphanet 221061, MedGen C2919945, MONDO:0000820, OMIM 116860, HP:0033522.

Submission:

Labcorp Genetics (formerly Invitae), Labcorp
Classification: Pathogenic for Cerebral cavernous malformation. Last evaluated: 2020-06-26. Review status: criteria provided, single submitter. Criteria: Invitae Variant Classification Sherloc (09022015). Collection method: clinical testing. Allele origin: germline.
Comment: This variant is a gross deletion of the genomic region encompassing exon(s) 5-15 of the KRIT1 gene, which includes the initiator codon. The 5' end of this event is unknown as it extends beyond the assayed region for this gene and therefore may encompass additional genes. The 3' boundary is likely confined to intron 15 of the KRIT1 gene. This is expected to result in an absent or disrupted protein product. This variant has not been reported in the literature in individuals with KRIT1-related conditions. Loss-of-function variants in KRIT1 are known to be pathogenic (PMID: 10508515, 11222804, 12404106, 24689081). For these reasons, this variant has been classified as Pathogenic.

Literature cited by the submitters: PubMed 10508515; PubMed 11222804; PubMed 12404106; PubMed 24689081.

NC_000007.13:g.(?_91851196)_(91871469_?)del

Gene: KRIT1 (KRIT1 ankyrin repeat containing; minus strand). Cytogenetic location: 7q21.2.
Variant type: Deletion.
Identifiers: ClinVar variation 1074264 (VCV001074264.6).